The following is an entry in ClinVar:

NM_001283009.2(RTEL1):c.2981T>A (p.Leu994Gln)

Genes: RTEL1 (regulator of telomere elongation helicase 1; plus strand), RTEL1-TNFRSF6B (RTEL1-TNFRSF6B readthrough (NMD candidate); plus strand). Cytogenetic location: 20q13.33.
Variant type: single nucleotide variant.
Coding change: c.2981T>A on transcript NM_001283009.2 (MANE Select); coding-DNA position 2981, T replaced by A.
Protein change: p.Leu994Gln; replaces leucine 994 with glutamine.
Molecular consequence: missense variant. On other transcripts: non-coding transcript variant (1).
Genome position (GRCh38, 1-based): chr20:63,693,272, T>A. VCF-style: chr20-63693272-T-A. GRCh37 (hg19) VCF-style: chr20-62324625-T-A.
Other names: c.2312T>A, p.Leu771Gln (NM_001283010.1); c.2981T>A, p.Leu994Gln (NM_016434.4); c.3053T>A, p.Leu1018Gln (NM_032957.5); short protein forms L1018Q, L771Q, L994Q.
Identifiers: ClinVar variation 5028478 (VCV005028478.1).

ClinVar aggregate classification (germline): Uncertain significance (1 of 4 stars; one submission).

Conditions:
Inborn genetic diseases. Identifiers: MedGen C0950123, MeSH D030342.

Submission:

Ambry Genetics
Classification: Uncertain significance for Inborn genetic diseases. Last evaluated: 2026-07-09. Review status: criteria provided, single submitter. Criteria: Ambry Variant Classification Scheme 2023. Collection method: clinical testing. Allele origin: germline.
Comment: The p.L994Q variant (also known as c.2981T>A), located in coding exon 29 of the RTEL1 gene, results from a T to A substitution at nucleotide position 2981. The leucine at codon 994 is replaced by glutamine, an amino acid with dissimilar properties. This amino acid position is conserved. In addition, this alteration is predicted to be tolerated by in silico analysis. Based on the available evidence, the clinical significance of this variant remains unclear.